The following is an entry in ClinVar:

ClinVar aggregate classification (germline): Uncertain significance. Review status: criteria provided, multiple submitters, no conflicts (2 of 4 stars). 2 submissions from 2 submitters: Uncertain significance (2). Last evaluated 2025-07-30.

gnomAD v4.1: 160 of 1,613,966 alleles (0.0099%); highest among the groups gnomAD compares: Non-Finnish European, 0.013%; no homozygotes.

Submissions (2):

Labcorp Genetics (formerly Invitae), Labcorp
Classification: Uncertain significance. Last evaluated: 2025-07-30. Review status: criteria provided, single submitter. Criteria: Invitae Variant Classification Sherloc (09022015). Collection method: clinical testing. Allele origin: germline.
Comment: This sequence change replaces serine, which is neutral and polar, with alanine, which is neutral and non-polar, at codon 42 of the NSMCE2 protein (p.Ser42Ala). This variant is present in population databases (rs201045583, gnomAD 0.02%). This variant has not been reported in the literature in individuals affected with NSMCE2-related conditions. ClinVar contains an entry for this variant (Variation ID: 3922081). An algorithm developed to predict the effect of missense changes on protein structure and function (PolyPhen-2) suggests that this variant is likely to be tolerated. In summary, the available evidence is currently insufficient to determine the role of this variant in disease. Therefore, it has been classified as a Variant of Uncertain Significance.

Ambry Genetics
Classification: Uncertain significance. Last evaluated: 2025-04-04. Review status: criteria provided, single submitter. Criteria: Ambry Variant Classification Scheme 2023. Collection method: clinical testing. Allele origin: germline.

NM_173685.4(NSMCE2):c.124T>G (p.Ser42Ala)

Gene: NSMCE2 (NSE2 SUMO ligase component of SMC5/6 complex; plus strand). Cytogenetic location: 8q24.13.
Variant type: single nucleotide variant.
Coding change: c.124T>G on transcript NM_173685.4 (MANE Select); coding-DNA position 124, T replaced by G.
Protein change: p.Ser42Ala; replaces serine 42 with alanine.
Molecular consequence: missense variant. On other transcripts: non-coding transcript variant (2).
Genome position (GRCh38, 1-based): chr8:125,102,454, T>G. VCF-style: chr8-125102454-T-G. GRCh37 (hg19) VCF-style: chr8-126114696-T-G.
Other names: c.124T>G, p.Ser42Ala (NM_001349485.2, NM_001349486.2, NM_001349487.2); short protein forms S42A.
Identifiers: ClinVar variation 3922081 (VCV003922081.2).